The following is an entry in ClinVar:

NM_145059.3(FCSK):c.1625C>T (p.Thr542Met)

Gene: FCSK (fucose kinase; plus strand). Cytogenetic location: 16q22.1.
Variant type: single nucleotide variant.
Coding change: c.1625C>T on transcript NM_145059.3 (MANE Select); coding-DNA position 1625, C replaced by T.
Protein change: p.Thr542Met; replaces threonine 542 with methionine.
Molecular consequence: missense variant.
Genome position (GRCh38, 1-based): chr16:70,473,201, C>T. VCF-style: chr16-70473201-C-T. GRCh37 (hg19) VCF-style: chr16-70507104-C-T.
Other names: c.1625C>T (NM_145059.2); short protein forms T542M.
Identifiers: ClinVar variation 2027569 (VCV002027569.5), dbSNP rs369940276, ClinGen allele CA8143392.

ClinVar aggregate classification (germline): Uncertain significance. Review status: criteria provided, multiple submitters, no conflicts (2 of 4 stars). 2 submissions from 2 submitters: Uncertain significance (2). Last evaluated 2025-07-27.

Allele frequency attached by ClinVar (database versions not stated): gnomAD 0.00002; ExAC 0.00008; TOPMed 0.00003; ESP Exome Variant Server 0.00009; gnomAD exomes 0.00004.
gnomAD v4.1: 57 of 1,537,878 alleles (0.0037%); highest among the groups gnomAD compares: South Asian, 0.026%; no homozygotes.

Submissions (2):

Labcorp Genetics (formerly Invitae), Labcorp
Classification: Uncertain significance. Last evaluated: 2025-07-27. Review status: criteria provided, single submitter. Criteria: Invitae Variant Classification Sherloc (09022015). Collection method: clinical testing. Allele origin: germline.
Comment: This sequence change replaces threonine, which is neutral and polar, with methionine, which is neutral and non-polar, at codon 542 of the FUK protein (p.Thr542Met). This variant is present in population databases (rs369940276, gnomAD 0.008%). This variant has not been reported in the literature in individuals affected with FUK-related conditions. ClinVar contains an entry for this variant (Variation ID: 2027569). An algorithm developed to predict the effect of missense changes on protein structure and function (PolyPhen-2) suggests that this variant is likely to be tolerated. In summary, the available evidence is currently insufficient to determine the role of this variant in disease. Therefore, it has been classified as a Variant of Uncertain Significance.

Ambry Genetics
Classification: Uncertain significance. Last evaluated: 2024-03-21. Review status: criteria provided, single submitter. Criteria: Ambry Variant Classification Scheme 2023. Collection method: clinical testing. Allele origin: germline.